The following is an entry in ClinVar:

ClinVar aggregate classification (germline): Uncertain significance (1 of 4 stars; one submission).

Conditions:
Deficiency of acetyl-CoA acetyltransferase. Also called: MITOCHONDRIAL ACETOACETYL-CoA THIOLASE DEFICIENCY; Beta-ketothiolase deficiency; 3-KETOTHIOLASE DEFICIENCY; 3-OXOTHIOLASE DEFICIENCY. Identifiers: Orphanet 134, MedGen C1536500, MONDO:0008760, OMIM 203750. Disease mechanism: loss of function.

Submission:

Labcorp Genetics (formerly Invitae), Labcorp
Classification: Uncertain significance for Deficiency of acetyl-CoA acetyltransferase. Last evaluated: 2022-03-13. Review status: criteria provided, single submitter. Criteria: Invitae Variant Classification Sherloc (09022015). Collection method: clinical testing. Allele origin: germline.
Comment: This sequence change replaces valine, which is neutral and non-polar, with leucine, which is neutral and non-polar, at codon 395 of the ACAT1 protein (p.Val395Leu). This variant is not present in population databases (gnomAD no frequency). This variant has not been reported in the literature in individuals affected with ACAT1-related conditions. Advanced modeling of protein sequence and biophysical properties (such as structural, functional, and spatial information, amino acid conservation, physicochemical variation, residue mobility, and thermodynamic stability) performed at Invitae indicates that this missense variant is not expected to disrupt ACAT1 protein function. In summary, the available evidence is currently insufficient to determine the role of this variant in disease. Therefore, it has been classified as a Variant of Uncertain Significance.

NM_000019.4(ACAT1):c.1183G>C (p.Val395Leu)

Gene: ACAT1 (acetyl-CoA acetyltransferase 1; plus strand). Cytogenetic location: 11q22.3.
Variant type: single nucleotide variant.
Coding change: c.1183G>C on transcript NM_000019.4 (MANE Select); coding-DNA position 1183, G replaced by C.
Protein change: p.Val395Leu; replaces valine 395 with leucine.
Molecular consequence: missense variant. On other transcripts: non-coding transcript variant (2).
Genome position (GRCh38, 1-based): chr11:108,147,289, G>C. VCF-style: chr11-108147289-G-C. GRCh37 (hg19) VCF-style: chr11-108018016-G-C.
Other names: c.1204G>C, p.Val402Leu (NM_001386677.1); c.868G>C, p.Val290Leu (NM_001386678.1); c.886G>C, p.Val296Leu (NM_001386679.1); c.913G>C, p.Val305Leu (NM_001386681.1, NM_001386682.1, NM_001386685.1 and 6 more transcripts); short protein forms V395L, V402L, V290L, V296L, V305L.
Identifiers: ClinVar variation 2182600 (VCV002182600.1), dbSNP rs2496666743, ClinGen allele CA382508729.